The following is an entry in ClinVar:

ClinVar aggregate classification (germline): Uncertain significance (1 of 4 stars; one submission).

Submission:

Labcorp Genetics (formerly Invitae), Labcorp
Classification: Uncertain significance. Last evaluated: 2022-03-11. Review status: criteria provided, single submitter. Criteria: Invitae Variant Classification Sherloc (09022015). Collection method: clinical testing. Allele origin: germline.
Comment: In summary, the available evidence is currently insufficient to determine the role of this variant in disease. Therefore, it has been classified as a Variant of Uncertain Significance. Advanced modeling of protein sequence and biophysical properties (such as structural, functional, and spatial information, amino acid conservation, physicochemical variation, residue mobility, and thermodynamic stability) performed at Invitae indicates that this missense variant is not expected to disrupt ABCA4 protein function. This variant has not been reported in the literature in individuals affected with ABCA4-related conditions. This variant is not present in population databases (gnomAD no frequency). This sequence change replaces lysine, which is basic and polar, with arginine, which is basic and polar, at codon 1275 of the ABCA4 protein (p.Lys1275Arg).

NM_000350.3(ABCA4):c.3824A>G (p.Lys1275Arg)

Genes: ABCA4 (ATP binding cassette subfamily A member 4; minus strand), LOC126805794 (BRD4-independent group 4 enhancer GRCh37_chr1:94502188-94503387; plus strand). Cytogenetic location: 1p22.1.
Variant type: single nucleotide variant.
Coding change: c.3824A>G on transcript NM_000350.3 (MANE Select); coding-DNA position 3824, A replaced by G.
Protein change: p.Lys1275Arg; replaces lysine 1275 with arginine.
Molecular consequence: missense variant.
Genome position (GRCh38, 1-based): chr1:94,036,778, T>C on the plus strand (A>G on the coding strand, the complement: ABCA4 is on the minus strand). VCF-style: chr1-94036778-T-C. GRCh37 (hg19) VCF-style: chr1-94502334-T-C.
Other names: c.3602A>G, p.Lys1201Arg (NM_001425324.1); short protein forms K1275R, K1201R.
Identifiers: ClinVar variation 2109508 (VCV002109508.4), dbSNP rs2523749750, ClinGen allele CA341288399.